The following is an entry in ClinVar:

ClinVar aggregate classification (germline): Uncertain significance. Review status: criteria provided, multiple submitters, no conflicts (2 of 4 stars). 2 submissions from 2 submitters: Uncertain significance (2). Last evaluated 2025-07-21.

Conditions:
Familial cancer of breast. Also called: hereditary breast carcinoma; Hereditary breast cancer; BREAST CANCER, FAMILIAL. Identifiers: Orphanet 227535, MedGen C0346153, MONDO:0016419, OMIM 114480. Disease mechanism: loss of function.
Hereditary cancer-predisposing syndrome. Also called: Tumor predisposition; Hereditary neoplastic syndrome; Neoplastic Syndromes, Hereditary; Hereditary Cancer Syndrome. Identifiers: Orphanet 140162, MedGen C0027672, MeSH D009386, MONDO:0015356.

gnomAD v4.1: 1 of 1,596,066 alleles (0.000063%); highest among the groups gnomAD compares: Non-Finnish European, 0.000085%; no homozygotes.

Submissions (2):

Labcorp Genetics (formerly Invitae), Labcorp
Classification: Uncertain significance for Familial cancer of breast. Last evaluated: 2025-07-21. Review status: criteria provided, single submitter. Criteria: Invitae Variant Classification Sherloc (09022015). Collection method: clinical testing. Allele origin: germline.
Comment: This sequence change replaces arginine, which is basic and polar, with leucine, which is neutral and non-polar, at codon 521 of the CHEK2 protein (p.Arg521Leu). This variant is not present in population databases (gnomAD no frequency). This variant has not been reported in the literature in individuals affected with CHEK2-related conditions. ClinVar contains an entry for this variant (Variation ID: 1498392). An algorithm developed to predict the effect of missense changes on protein structure and function (PolyPhen-2) suggests that this variant is likely to be disruptive. In summary, the available evidence is currently insufficient to determine the role of this variant in disease. Therefore, it has been classified as a Variant of Uncertain Significance.

Ambry Genetics
Classification: Uncertain significance for Hereditary cancer-predisposing syndrome. Last evaluated: 2024-01-12. Review status: criteria provided, single submitter. Criteria: Ambry Variant Classification Scheme 2023. Collection method: clinical testing. Allele origin: germline.
Comment: The p.R521L variant (also known as c.1562G>T), located in coding exon 14 of the CHEK2 gene, results from a G to T substitution at nucleotide position 1562. The arginine at codon 521 is replaced by leucine, an amino acid with dissimilar properties. This amino acid position is highly conserved in available vertebrate species. In addition, the in silico prediction for this alteration is inconclusive. Since supporting evidence is limited at this time, the clinical significance of this alteration remains unclear.

NM_007194.4(CHEK2):c.1562G>T (p.Arg521Leu)

Gene: CHEK2 (checkpoint kinase 2; minus strand). Cytogenetic location: 22q12.1.
Variant type: single nucleotide variant.
Coding change: c.1562G>T on transcript NM_007194.4 (MANE Select); coding-DNA position 1562, G replaced by T.
Protein change: p.Arg521Leu; replaces arginine 521 with leucine.
Molecular consequence: missense variant.
Genome position (GRCh38, 1-based): chr22:28,687,967, C>A on the plus strand (G>T on the coding strand, the complement: CHEK2 is on the minus strand). VCF-style: chr22-28687967-C-A. GRCh37 (hg19) VCF-style: chr22-29083955-C-A.
Other names: c.1691G>T, p.Arg564Leu (NM_001005735.3); c.899G>T, p.Arg300Leu (NM_001257387.3); c.1361G>T, p.Arg454Leu (NM_001349956.3); c.1475G>T, p.Arg492Leu (NM_145862.3); short protein forms R521L, R564L, R492L, R454L, R300L.
Identifiers: ClinVar variation 1498392 (VCV001498392.11), dbSNP rs373959274, ClinGen allele CA411091377.